The following is an entry in ClinVar:

ClinVar aggregate classification (germline): Uncertain significance (1 of 4 stars; one submission).

Submission:

GeneDx
Classification: Uncertain significance. Last evaluated: 2017-08-15. Review status: criteria provided, single submitter. Criteria: GeneDx Variant Classification (06012015). Collection method: clinical testing. Allele origin: germline. Affected: yes.
Comment: A variant of uncertain significance has been identified in the ABCC9 gene. The K640R variant has not been published as pathogenic or been reported as benign to our knowledge. This variant is not observed in large population cohorts (Lek et al., 2016; 1000 Genomes Consortium et al., 2015; Exome Variant Server). This substitution occurs at a position that is conserved across most species with arginine (R) being present as the wild type in at least one species. In silico analysis suggests that this variant is probably damaging to the protein structure/function. However, the K640R variant is a conservative amino acid substitution, which is not likely to impact secondary protein structure as these residues share similar properties.

NM_020297.4(ABCC9):c.1919A>G (p.Lys640Arg)

Gene: ABCC9 (ATP binding cassette subfamily C member 9; minus strand). Cytogenetic location: 12p12.1.
Variant type: single nucleotide variant.
Coding change: c.1919A>G on transcript NM_020297.4 (MANE Select); coding-DNA position 1919, A replaced by G.
Protein change: p.Lys640Arg; replaces lysine 640 with arginine.
Molecular consequence: missense variant.
Genome position (GRCh38, 1-based): chr12:21,882,866, T>C on the plus strand (A>G on the coding strand, the complement: ABCC9 is on the minus strand). VCF-style: chr12-21882866-T-C. GRCh37 (hg19) VCF-style: chr12-22035800-T-C.
Other names: c.1919A>G, p.Lys640Arg (NM_001377273.1, NM_005691.4); c.1055A>G, p.Lys352Arg (NM_001377274.1); short protein forms K640R, K352R.
Identifiers: ClinVar variation 451380 (VCV000451380.2), dbSNP rs1555100847, ClinGen allele CA384135241.